The following is an entry in ClinVar:

NM_007294.4(BRCA1):c.3565A>T (p.Ser1189Cys)

Genes: BRCA1 (BRCA1 DNA repair associated; minus strand), LOC126862571 (BRD4-independent group 4 enhancer GRCh37_chr17:41243136-41244335; plus strand). Cytogenetic location: 17q21.31.
Variant type: single nucleotide variant.
Coding change: c.3565A>T on transcript NM_007294.4 (MANE Select); coding-DNA position 3565, A replaced by T.
Protein change: p.Ser1189Cys; replaces serine 1189 with cysteine.
Molecular consequence: missense variant. On other transcripts: intron variant (135).
Genome position (GRCh38, 1-based): chr17:43,091,966, T>A on the plus strand (A>T on the coding strand, the complement: BRCA1 is on the minus strand). VCF-style: chr17-43091966-T-A. GRCh37 (hg19) VCF-style: chr17-41243983-T-A.
Other names: c.3565A>T, p.Ser1189Cys (NM_001407596.1, NM_001407597.1, NM_001407598.1 and 30 more transcripts); c.3562A>T, p.Ser1188Cys (NM_001407610.1, NM_001407611.1, NM_001407612.1 and 22 more transcripts); c.3352A>T, p.Ser1118Cys (NM_001407571.1, NM_001407853.1, NM_001407894.1 and 9 more transcripts); c.3556A>T, p.Ser1186Cys (NM_001407646.1, NM_001407647.1); c.3442A>T, p.Ser1148Cys (NM_001407648.1, NM_001407664.1, NM_001407665.1 and 19 more transcripts); c.3439A>T, p.Ser1147Cys (NM_001407649.1, NM_001407670.1, NM_001407671.1 and 11 more transcripts); c.3487A>T, p.Ser1163Cys (NM_001407653.1, NM_001407654.1, NM_001407655.1 and 4 more transcripts); c.3484A>T, p.Ser1162Cys (NM_001407659.1, NM_001407660.1, NM_001407661.1 and 1 more transcripts); and 41 more; short protein forms S1189C, S1142C, S1061C, S1062C, S1101C, S1121C, S1122C, S1163C.
Identifiers: ClinVar variation 582398 (VCV000582398.15), dbSNP rs1567791142, ClinGen allele CA10594833.
Genomic context (GRCh38, chr17:43,091,966, plus strand): 5'-ATTTCTTGGCCCCTCTTCGGTAACCCTGAGCCAAATGTGTATGGGTGAAAGGGCTAGGAC[T>A]CCTGCTAAGCTCTCCTTTCTGGACGCTTTTGCTAAAAACAGCAGAACTTTCCTTAATGTC-3'
Protein context (NP_009225.1, residues 1179-1199): KSVQKGELSR[Ser1189Cys]PSPFTHTHLA

ClinVar aggregate classification (germline): Conflicting classifications of pathogenicity. Review status: criteria provided, conflicting classifications (1 of 4 stars). 3 submissions from 3 submitters: Uncertain significance (2); Likely benign (1). Last evaluated 2023-03-23.

Conditions:
Hereditary breast ovarian cancer syndrome. Also called: Hereditary breast and ovarian cancer syndrome; Hereditary breast and/or ovarian cancer syndrome; Hereditary breast and ovarian cancer syndrome (HBOC); Breast and ovarian cancer; BRCA1- and BRCA2-Associated Hereditary Breast and Ovarian Cancer; Hereditary breast and ovarian cancer. Identifiers: Orphanet 145, MedGen C0677776, MeSH D061325, MONDO:0003582. Disease mechanism: loss of function.
Hereditary cancer-predisposing syndrome. Also called: Neoplastic Syndromes, Hereditary; Hereditary Cancer Syndrome; Tumor predisposition; Hereditary neoplastic syndrome. Identifiers: Orphanet 140162, MedGen C0027672, MeSH D009386, MONDO:0015356.

Submissions (3):

University of Washington Department of Laboratory Medicine, University of Washington
Classification: Likely benign for Hereditary cancer-predisposing syndrome. Last evaluated: 2023-03-23. Review status: criteria provided, single submitter. Criteria: Dines et al. (Genet Med. 2020). Collection method: curation. Allele origin: germline.
Comment: Missense variant in a coldspot region where missense variants are very unlikely to be pathogenic (PMID:31911673).

BRCA1 coldspot (exon 11 using historical exon numbering). Reclassification based on statistical prior probability

Labcorp Genetics (formerly Invitae), Labcorp
Classification: Uncertain significance for Hereditary breast ovarian cancer syndrome. Last evaluated: 2022-08-23. Review status: criteria provided, single submitter. Criteria: Invitae Variant Classification Sherloc (09022015). Collection method: clinical testing. Allele origin: germline.
Comment: This variant has not been reported in the literature in individuals affected with BRCA1-related conditions. In summary, the available evidence is currently insufficient to determine the role of this variant in disease. Therefore, it has been classified as a Variant of Uncertain Significance. Algorithms developed to predict the effect of sequence changes on RNA splicing suggest that this variant may create or strengthen a splice site. Advanced modeling of protein sequence and biophysical properties (such as structural, functional, and spatial information, amino acid conservation, physicochemical variation, residue mobility, and thermodynamic stability) performed at Invitae indicates that this missense variant is not expected to disrupt BRCA1 protein function. ClinVar contains an entry for this variant (Variation ID: 582398). This variant is not present in population databases (gnomAD no frequency). This sequence change replaces serine, which is neutral and polar, with cysteine, which is neutral and slightly polar, at codon 1189 of the BRCA1 protein (p.Ser1189Cys).

Ambry Genetics
Classification: Uncertain significance for Hereditary cancer-predisposing syndrome. Last evaluated: 2020-09-02. Review status: criteria provided, single submitter. Criteria: Ambry Variant Classification Scheme 2023. Collection method: clinical testing. Allele origin: germline.
Comment: The p.S1189C variant (also known as c.3565A>T), located in coding exon 9 of the BRCA1 gene, results from an A to T substitution at nucleotide position 3565. The serine at codon 1189 is replaced by cysteine, an amino acid with dissimilar properties. This amino acid position is not well conserved in available vertebrate species. In addition, the in silico prediction for this alteration is inconclusive. Since supporting evidence is limited at this time, the clinical significance of this alteration remains unclear.